The following is an entry in ClinVar:

ClinVar aggregate classification (germline): Likely benign (1 of 4 stars; one submission).

Conditions:
Colorectal cancer, hereditary nonpolyposis, type 7. Identifiers: Orphanet 144, MedGen C1858380, MONDO:0013725, OMIM 614385.

Submission:

Myriad Genetics, Inc.
Classification: Likely benign for Colorectal cancer, hereditary nonpolyposis, type 7. Last evaluated: 2026-09-11. Review status: criteria provided, single submitter. Criteria: Myriad Autosomal Dominant, Autosomal Recessive and X-Linked Classification Criteria (2023). Collection method: clinical testing. Allele origin: unknown.
Comment: This variant is considered likely benign. This variant is intronic and is not expected to impact mRNA splicing.

NM_001040108.2(MLH3):c.3281-12T>C

Gene: MLH3 (mutL homolog 3; minus strand). Cytogenetic location: 14q24.3.
Variant type: single nucleotide variant.
Coding change: c.3281-12T>C on transcript NM_001040108.2 (MANE Select); 12 bases into the intron before coding-DNA position 3281, T replaced by C.
Molecular consequence: intron variant.
Genome position (GRCh38, 1-based): chr14:75,042,489, A>G on the plus strand (T>C on the coding strand, the complement: MLH3 is on the minus strand). VCF-style: chr14-75042489-A-G. GRCh37 (hg19) VCF-style: chr14-75509192-A-G.
Other names: c.3281-12T>C (NM_014381.3).
Identifiers: ClinVar variation 5042476 (VCV005042476.1).